The following is an entry in ClinVar:

NC_000016.9:g.(?_30194730)_(30200398_?)dup

Gene: CORO1A (coronin 1A; plus strand). Cytogenetic location: 16p11.2.
Variant type: Duplication.
Identifiers: ClinVar variation 1704561 (VCV001704561.1).

ClinVar aggregate classification (germline): Uncertain significance (1 of 4 stars; one submission).

Submission:

Women's Health and Genetics/Laboratory Corporation of America, LabCorp
Classification: Uncertain significance. Last evaluated: 2022-07-08. Review status: criteria provided, single submitter. Criteria: LabCorp Variant Classification Summary - May 2015. Collection method: clinical testing. Allele origin: germline.
Comment: Variant summary: The variant identified by MLPA or other technology involves the duplication of exons 1-11 (i.e. the full coding sequence) of the CORO1A gene. A presumed nomenclature of c.(?_-318)_(*113_?)dup has been designated for the purposes of this classification. It has been assumed that this is a tandem duplication in direct orientation (Richardson_GIM_2018, Newman_AJHG_2015). Since exact breakpoints of this duplication are not known, it might extend beyond the assayed region of the CORO1A gene, including other flanking genes. A similar duplication spanning CORO1A gene and many other genes was found at a frequency of 4.6e-05 in 21694 control chromosomes (gnomAD Structural Variants dataset). The available data on variant occurrences in the general population are insufficient to allow any conclusion about variant significance. To our knowledge, no occurrence of c.(?_-318)_(*113_?)dup in individuals affected with Severe Combined Immunodeficiency and no experimental evidence demonstrating its impact on protein function have been reported. One ClinVar submitter has assessed the variant since 2014: the variant was classified as of uncertain significance. Based on the evidence outlined above, the variant was classified as uncertain significance.